The following is an entry in ClinVar:

ClinVar aggregate classification (germline): Uncertain significance (1 of 4 stars; one submission).

Submission:

Labcorp Genetics (formerly Invitae), Labcorp
Classification: Uncertain significance. Last evaluated: 2025-03-17. Review status: criteria provided, single submitter. Criteria: Invitae Variant Classification Sherloc (09022015). Collection method: clinical testing. Allele origin: germline.
Comment: This sequence change falls in intron 33 of the RIMS1 gene. It does not directly change the encoded amino acid sequence of the RIMS1 protein. It affects a nucleotide within the consensus splice site. This variant is not present in population databases (gnomAD no frequency). This variant has not been reported in the literature in individuals affected with RIMS1-related conditions. ClinVar contains an entry for this variant (Variation ID: 1062301). Variants that disrupt the consensus splice site are a relatively common cause of aberrant splicing (PMID: 17576681, 9536098). Algorithms developed to predict the effect of sequence changes on RNA splicing suggest that this variant is not likely to affect RNA splicing. In summary, the available evidence is currently insufficient to determine the role of this variant in disease. Therefore, it has been classified as a Variant of Uncertain Significance.

Literature cited by the submitters: PubMed 17576681; PubMed 9536098.

NM_014989.7(RIMS1):c.4860+3C>T

Gene: RIMS1 (regulating synaptic membrane exocytosis 1; plus strand). Cytogenetic location: 6q13.
Variant type: single nucleotide variant.
Coding change: c.4860+3C>T on transcript NM_014989.7 (MANE Select); 3 bases into the intron after coding-DNA position 4860, C replaced by T.
Molecular consequence: intron variant.
Genome position (GRCh38, 1-based): chr6:72,399,097, C>T. VCF-style: chr6-72399097-C-T. GRCh37 (hg19) VCF-style: chr6-73108799-C-T.
Other names: c.2238+3C>T (NM_001350428.2); c.2682+3C>T (NM_001350459.2); c.2166+3C>T (NM_001350424.2); c.2763+3C>T (NM_001350437.2); c.2235+3C>T (NM_001350430.2, NM_001168408.2); c.2679+3C>T (NM_001350421.2); c.2163+3C>T (NM_001350450.2); c.2829+3C>T (NM_001350458.2); and 54 more.
Identifiers: ClinVar variation 1062301 (VCV001062301.9), dbSNP rs2154458466, ClinGen allele CA2499218519.
Genomic context (GRCh38, chr6:72,399,097, plus strand): 5'-TCCTTTGTATCAGCAGTCTCTGGTTTTTGATGAAAGTCCACAGGGTAAAGTTCTTCAGGT[C>T]AGTAATAGTTTGTTTGGCTTTTTACATTGAAATGTCTGTTTTACCCATACATCGAAGAGA-3'